The following is an entry in ClinVar:

ClinVar aggregate classification (germline): Likely pathogenic. Review status: criteria provided, multiple submitters, no conflicts (2 of 4 stars). 2 submissions from 2 submitters: Likely pathogenic (2). Last evaluated 2025-03-07.

Conditions:
PMM2-congenital disorder of glycosylation. Also called: CDG Ia; JAEKEN SYNDROME; PHOSPHOMANNOMUTASE 2 DEFICIENCY; CARBOHYDRATE-DEFICIENT GLYCOPROTEIN SYNDROME, TYPE Ia; Congenital disorder of glycosylation, type Ia; PMM2-CDG. Identifiers: Orphanet 79318, MedGen C0349653, MONDO:0008907, OMIM 212065.

Allele frequency attached by ClinVar (database versions not stated): gnomAD exomes below 0.00001 and 0.00001.
gnomAD v4.1: 18 of 1,611,082 alleles (0.0011%); highest among the groups gnomAD compares: Non-Finnish European, 0.0015%; no homozygotes.

Submissions (2):

Natera, Inc.
Classification: Likely pathogenic for Congenital disorder of glycosylation type 1a. Last evaluated: 2025-03-07. Review status: criteria provided, single submitter. Criteria: Natera Variant Classification Schema (03/2026). Collection method: clinical testing. Allele origin: germline.
Comment: The c.603T>G variant in PMM2 is a nonsense variant predicted to introduce a stop codon at amino acid 201. This variant is expected to result in nonsense mediated decay, truncation, or a dysfunctional protein product. This variant is rare in the general population with a frequency below the threshold expected for the associated phenotype(s). Given the available evidence, this variant is classified as Likely Pathogenic.

Labcorp Genetics (formerly Invitae), Labcorp
Classification: Likely pathogenic for PMM2-congenital disorder of glycosylation. Last evaluated: 2021-03-10. Review status: criteria provided, single submitter. Criteria: Invitae Variant Classification Sherloc (09022015). Collection method: clinical testing. Allele origin: germline.
Comment: This variant is not present in population databases (ExAC no frequency). This variant has not been reported in the literature in individuals with PMM2-related conditions. This variant disrupts the p.Thr237 amino acid residue in PMM2. Other variant(s) that disrupt this residue have been determined to be pathogenic (PMID: 11589167, 23430838, 10602363). This suggests that this residue is clinically significant, and that variants that disrupt this residue are likely to be disease-causing. In summary, the currently available evidence indicates that the variant is pathogenic, but additional data are needed to prove that conclusively. Therefore, this variant has been classified as Likely Pathogenic. This sequence change results in a premature translational stop signal in the PMM2 gene (p.Tyr201*). While this is not anticipated to result in nonsense mediated decay, it is expected to disrupt the last 46 amino acids of the PMM2 protein.

Literature cited by the submitters: PubMed 11589167 (cited by Labcorp Genetics (formerly Invitae), Labcorp); PubMed 23430838 (cited by Labcorp Genetics (formerly Invitae), Labcorp); PubMed 10602363 (cited by Labcorp Genetics (formerly Invitae), Labcorp).

NM_000303.3(PMM2):c.603T>G (p.Tyr201Ter)

Gene: PMM2 (phosphomannomutase 2; plus strand). Cytogenetic location: 16p13.2.
Variant type: single nucleotide variant.
Coding change: c.603T>G on transcript NM_000303.3 (MANE Select); coding-DNA position 603, T replaced by G.
Protein change: p.Tyr201Ter; replaces tyrosine 201 with a stop codon.
Molecular consequence: nonsense.
Genome position (GRCh38, 1-based): chr16:8,813,070, T>G. VCF-style: chr16-8813070-T-G. GRCh37 (hg19) VCF-style: chr16-8906927-T-G.
Other names: c.603T>G (NM_000303.2); short protein forms Y201*.
Identifiers: ClinVar variation 1066355 (VCV001066355.17), dbSNP rs1202400777, ClinGen allele CA394697970.